The following is an entry in ClinVar:

NM_001146227.3(RPS20):c.417A>T (p.Thr139=)

Gene: RPS20 (ribosomal protein S20; minus strand). Cytogenetic location: 8q12.1.
Variant type: single nucleotide variant.
Coding change: c.417A>T on transcript NM_001146227.3; coding-DNA position 417, A replaced by T.
Protein change: p.Thr139=; no amino-acid change (threonine 139 retained).
Molecular consequence: synonymous variant.
Genome position (GRCh38, 1-based): chr8:56,069,750, T>A on the plus strand (A>T on the coding strand, the complement: RPS20 is on the minus strand). VCF-style: chr8-56069750-T-A. GRCh37 (hg19) VCF-style: chr8-56982309-T-A.
Identifiers: ClinVar variation 5042319 (VCV005042319.1).

ClinVar aggregate classification (germline): Benign (1 of 4 stars; one submission).

Conditions:
Familial colorectal cancer type X. Identifiers: Orphanet 440437, MedGen C3896578, MONDO:0018604.

gnomAD v4.1: 47 of 1,551,526 alleles (0.003%); highest among the groups gnomAD compares: Non-Finnish European, 0.0039%; no homozygotes.

Submission:

Myriad Genetics, Inc.
Classification: Benign for Familial colorectal cancer type X. Last evaluated: 2026-08-05. Review status: criteria provided, single submitter. Criteria: Myriad Autosomal Dominant, Autosomal Recessive and X-Linked Classification Criteria (2023). Collection method: clinical testing. Allele origin: unknown.
Comment: This variant is considered benign. This variant is a silent/synonymous amino acid change and it is not expected to impact splicing.